The following is an entry in ClinVar:

ClinVar aggregate classification (germline): Conflicting classifications of pathogenicity. Review status: criteria provided, conflicting classifications (1 of 4 stars). 12 submissions from 8 submitters: Uncertain significance (4); Benign (2); Likely benign (6). Last evaluated 2026-01-28.

Conditions:
TTN-related disorder. Also called: TTN-related condition; TTN-related disease; TTN-related disorders.
Autosomal recessive limb-girdle muscular dystrophy type 2J (LGMDR10). Also called: Limb-girdle muscular dystrophy, type 2J; MUSCULAR DYSTROPHY, LIMB-GIRDLE, AUTOSOMAL RECESSIVE 10. Identifiers: Orphanet 140922, MedGen C1837342, MONDO:0012127, OMIM 608807.
Dilated cardiomyopathy 1G (CMD1G). Identifiers: Orphanet 154, MedGen C1858763, MONDO:0011400, OMIM 604145.
Myopathy, myofibrillar, 9, with early respiratory failure (MFM9). Also called: Hereditary myopathy with early respiratory failure; EDSTROM MYOPATHY; MYOPATHY, PROXIMAL, WITH EARLY RESPIRATORY MUSCLE INVOLVEMENT; Myopathy, distal, with early respiratory failure, autosomal dominant. Identifiers: Orphanet 178464, Orphanet 34521, MedGen C1863599, MONDO:0011362, OMIM 603689.
Early-onset myopathy with fatal cardiomyopathy (CMYO5). Also called: Salih Myopathy; CONGENITAL MYOPATHY 5 WITH CARDIOMYOPATHY. Identifiers: Orphanet 289377, MedGen C2673677, MONDO:0012714, OMIM 611705. Disease mechanism: loss of function.
Tibial muscular dystrophy (TMD). Also called: Tibial muscular dystrophy, tardive; UDD MYOPATHY; Udd Distal Myopathy – Tibial Muscular Dystrophy. Identifiers: Orphanet 609, MedGen C1838244, MONDO:0010870, OMIM 600334.

Allele frequency attached by ClinVar (database versions not stated): gnomAD 0.00006 and 0.00014; TOPMed 0.00008; gnomAD exomes 0.00019 and 0.00021; ExAC 0.00024; 1000 Genomes Project 0.00140; 1000 Genomes Project 30x 0.00141.
gnomAD v4.1: 316 of 1,613,268 alleles (0.02%); highest among the groups gnomAD compares: East Asian, 0.68%; 2 homozygotes.

Submissions (12):

Labcorp Genetics (formerly Invitae), Labcorp
Classification: Likely benign for Dilated cardiomyopathy 1G; Autosomal recessive limb-girdle muscular dystrophy type 2J. Last evaluated: 2026-01-28. Review status: criteria provided, single submitter. Criteria: Invitae Variant Classification Sherloc (09022015). Collection method: clinical testing. Allele origin: germline.

Molecular Diagnostic Laboratory for Inherited Cardiovascular Disease, Montreal Heart Institute
Classification: Likely benign. Last evaluated: 2025-04-09. Review status: criteria provided, single submitter. Criteria: ACMG Guidelines, 2015. Collection method: clinical testing. Allele origin: germline. Affected: no.
Comment: BS1;BP1;BP6

PreventionGenetics, part of Exact Sciences
Classification: Likely benign for TTN-related condition. Last evaluated: 2024-11-03. Review status: criteria provided, single submitter. Criteria: ACMG Guidelines, 2015. Collection method: clinical testing. Allele origin: germline.
Comment: This variant is classified as likely benign based on ACMG/AMP sequence variant interpretation guidelines (Richards et al. 2015 PMID: 25741868, with internal and published modifications).

Blueprint Genetics
Classification: Likely benign. Last evaluated: 2023-12-14. Review status: criteria provided, single submitter. Criteria: ACMG Guidelines, 2015. Collection method: clinical testing. Allele origin: germline.

Illumina Laboratory Services, Illumina
Classification: Uncertain significance for Dilated cardiomyopathy 1G. Last evaluated: 2018-01-13. Review status: criteria provided, single submitter. Criteria: ICSL Variant Classification Criteria 13 December 2019. Collection method: clinical testing. Allele origin: germline.

Illumina Laboratory Services, Illumina
Classification: Uncertain significance for Autosomal recessive limb-girdle muscular dystrophy type 2J. Last evaluated: 2018-01-13. Review status: criteria provided, single submitter. Criteria: ICSL Variant Classification Criteria 13 December 2019. Collection method: clinical testing. Allele origin: germline.

Illumina Laboratory Services, Illumina
Classification: Benign for Myopathy, myofibrillar, 9, with early respiratory failure. Last evaluated: 2018-01-13. Review status: criteria provided, single submitter. Criteria: ICSL Variant Classification Criteria 13 December 2019. Collection method: clinical testing. Allele origin: germline.
Comment: This variant was observed in the ICSL laboratory as part of a predisposition screen in an ostensibly healthy population. It had not been previously curated by ICSL or reported in the Human Gene Mutation Database (HGMD: prior to June 1st, 2018), and was therefore a candidate for classification through an automated scoring system. Utilizing variant allele frequency, disease prevalence and penetrance estimates, and inheritance mode, an automated score was calculated to assess if this variant is too frequent to cause the disease. Based on the score and internal cut-off values, a variant classified as benign is not then subjected to further curation. The score for this variant resulted in a classification of benign for this disease.

Illumina Laboratory Services, Illumina
Classification: Uncertain significance for Early-onset myopathy with fatal cardiomyopathy. Last evaluated: 2018-01-13. Review status: criteria provided, single submitter. Criteria: ICSL Variant Classification Criteria 13 December 2019. Collection method: clinical testing. Allele origin: germline.

Illumina Laboratory Services, Illumina
Classification: Benign for Tibial muscular dystrophy. Last evaluated: 2018-01-13. Review status: criteria provided, single submitter. Criteria: ICSL Variant Classification Criteria 13 December 2019. Collection method: clinical testing. Allele origin: germline.
Comment: the same text as in the submission from Illumina Laboratory Services, Illumina above.

GeneDx
Classification: Likely benign. Last evaluated: 2017-12-06. Review status: criteria provided, single submitter. Criteria: GeneDx Variant Classification (06012015). Collection method: clinical testing. Allele origin: germline. Affected: yes.
Comment: This variant is considered likely benign or benign based on one or more of the following criteria: it is a conservative change, it occurs at a poorly conserved position in the protein, it is predicted to be benign by multiple in silico algorithms, and/or has population frequency not consistent with disease.

Biesecker Lab/Clinical Genomics Section, National Institutes of Health
Classification: Uncertain significance. Last evaluated: 2013-06-24. Review status: criteria provided, single submitter. Criteria: Ng et al. (Circ Cardiovasc Genet. 2013). Collection method: research. Allele origin: unknown. Observed: 1 variant allele. Study: ClinSeq.
Comment: The study set was not selected for affection status in relation to any cancer. Pathogenicity categories were based on literature curation. See Pubmed ID:23861362 for details.

Medical sequencing

Laboratory for Molecular Medicine, Mass General Brigham Personalized Medicine
Classification: Likely benign. Last evaluated: 2012-05-01. Review status: criteria provided, single submitter. Criteria: LMM Criteria. Collection method: clinical testing. Allele origin: germline. Observed: 1 variant allele.
Comment: Ala29125Asp in Exon 291 of TTN: This variant is not expected to have clinical si gnificance because it has been identified in 2.3% (4/172) of chromosomes from a population in the dbSNP database (rs22 88326). Ala29125Asp in Exon 291 of TTN (allele frequency = 2.3%, 4/172; dbSNP r s2288326)

NM_001267550.2(TTN):c.95078C>A (p.Ala31693Asp)

Genes: TTN (titin; minus strand), TTN-AS1 (TTN antisense RNA 1; plus strand). Cytogenetic location: 2q31.2.
Variant type: single nucleotide variant.
Coding change: c.95078C>A on transcript NM_001267550.2 (MANE Select); coding-DNA position 95078, C replaced by A.
Protein change: p.Ala31693Asp; replaces alanine 31693 with aspartic acid.
Molecular consequence: missense variant.
Genome position (GRCh38, 1-based): chr2:178,546,253, G>T on the plus strand (C>A on the coding strand, the complement: TTN is on the minus strand). VCF-style: chr2-178546253-G-T. GRCh37 (hg19) VCF-style: chr2-179410980-G-T.
Other names: c.90155C>A, p.Ala30052Asp (NM_001256850.1); c.87374C>A, p.Ala29125Asp (NM_133378.4); c.67883C>A, p.Ala22628Asp (NM_003319.4); c.68258C>A, p.Ala22753Asp (NM_133432.3); c.68459C>A, p.Ala22820Asp (NM_133437.4); short protein forms A31693D, A29125D, A30052D, A22628D, A22820D, A22753D.
Identifiers: ClinVar variation 47548 (VCV000047548.28), dbSNP rs2288326, ClinGen allele CA141318.
Genomic context (GRCh38, chr2:178,546,253, plus strand): 5'-GAACATTTGACATGCTTACCAAGCACTTTGACCATGACAGACACGGCCTTGGTCCCGCTG[G>T]CATTTTTCACTGTTAAAGTGTATTTTCCACTGTCACTTCTGTCACAGAACTTGATCACAG-3'
Protein context (NP_001254479.2, residues 31683-31703): SGKYTLTVKN[Ala31693Asp]SGTKAVSVMV